The following is an entry in ClinVar:

ClinVar aggregate classification (germline): Pathogenic (1 of 4 stars; one submission).

Conditions:
Primary ciliary dyskinesia. Also called: Ciliary dyskinesia. Identifiers: Orphanet 244, MedGen C0008780, MONDO:0016575, HP:0012265.

Submission:

Labcorp Genetics (formerly Invitae), Labcorp
Classification: Pathogenic for Primary ciliary dyskinesia. Last evaluated: 2025-11-04. Review status: criteria provided, single submitter. Criteria: Invitae Variant Classification Sherloc (09022015). Collection method: clinical testing. Allele origin: germline.
Comment: This sequence change creates a premature translational stop signal (p.Phe141Leufs*35) in the CCDC40 gene. It is expected to result in an absent or disrupted protein product. Loss-of-function variants in CCDC40 are known to be pathogenic (PMID: 21131974, 22693285, 23255504). This variant is not present in population databases (gnomAD no frequency). This variant has not been reported in the literature in individuals affected with CCDC40-related conditions. ClinVar contains an entry for this variant (Variation ID: 944646). For these reasons, this variant has been classified as Pathogenic.

Literature cited by the submitters: PubMed 21131974; PubMed 22693285; PubMed 23255504.

NM_017950.4(CCDC40):c.397_422dup (p.Phe141fs)

Gene: CCDC40 (coiled-coil domain 40 molecular ruler complex subunit; plus strand). Cytogenetic location: 17q25.3.
Variant type: Duplication.
Coding change: c.397_422dup on transcript NM_017950.4 (MANE Select); coding-DNA positions 397 to 422, 26 bases duplicated (AGCGGGGAGGCTGGTCTCCAAGGCTT).
Protein change: p.Phe141fs; shifts the reading frame from phenylalanine 141.
Molecular consequence: frameshift variant.
Genome position (GRCh38, 1-based): chr17:80,040,115-80,040,140, AGCGGGGAGGCTGGTCTCCAAGGCTT duplicated; duplicating any 26 consecutive bases within chr17:80,040,113-80,040,140 gives the same sequence; the c. name uses the placement nearest the transcript's 3' end. VCF-style (leftmost placement, unchanged base first): chr17-80040112-G-GTTAGCGGGGAGGCTGGTCTCCAAGGC. GRCh37 (hg19) VCF-style: chr17-78013911-G-GTTAGCGGGGAGGCTGGTCTCCAAGGC.
Other names: c.397_422dup, p.Phe141fs (NM_001243342.2, NM_001330508.2); short protein forms F141fs.
Identifiers: ClinVar variation 944646 (VCV000944646.8), dbSNP rs2037236648, ClinGen allele CA1139665919.